The following is an entry in ClinVar:

ClinVar aggregate classification (germline): Uncertain significance (1 of 4 stars; one submission).

gnomAD v4.1: 20 of 1,614,022 alleles (0.0012%); highest among the groups gnomAD compares: Middle Eastern, 0.033%; no homozygotes.

Submission:

Labcorp Genetics (formerly Invitae), Labcorp
Classification: Uncertain significance. Last evaluated: 2025-03-10. Review status: criteria provided, single submitter. Criteria: Invitae Variant Classification Sherloc (09022015). Collection method: clinical testing. Allele origin: germline.
Comment: This sequence change replaces isoleucine, which is neutral and non-polar, with valine, which is neutral and non-polar, at codon 2010 of the ARID1A protein (p.Ile2010Val). This variant is present in population databases (rs754451193, gnomAD 0.002%). This variant has not been reported in the literature in individuals affected with ARID1A-related conditions. Invitae Evidence Modeling of protein sequence and biophysical properties (such as structural, functional, and spatial information, amino acid conservation, physicochemical variation, residue mobility, and thermodynamic stability) indicates that this missense variant is not expected to disrupt ARID1A protein function with a negative predictive value of 80%. In summary, the available evidence is currently insufficient to determine the role of this variant in disease. Therefore, it has been classified as a Variant of Uncertain Significance.

NM_006015.6(ARID1A):c.6028A>G (p.Ile2010Val)

Gene: ARID1A (AT-rich interaction domain 1A; plus strand). Cytogenetic location: 1p36.11.
Variant type: single nucleotide variant.
Coding change: c.6028A>G on transcript NM_006015.6 (MANE Select); coding-DNA position 6028, A replaced by G.
Protein change: p.Ile2010Val; replaces isoleucine 2010 with valine.
Molecular consequence: missense variant.
Genome position (GRCh38, 1-based): chr1:26,779,926, A>G. VCF-style: chr1-26779926-A-G. GRCh37 (hg19) VCF-style: chr1-27106417-A-G.
Other names: c.5377A>G, p.Ile1793Val (NM_139135.4); short protein forms I1793V, I2010V.
Identifiers: ClinVar variation 4748393 (VCV004748393.1).